The following is an entry in ClinVar:

ClinVar aggregate classification (germline): Pathogenic (1 of 4 stars; one submission).

Submission:

Labcorp Genetics (formerly Invitae), Labcorp
Classification: Pathogenic. Last evaluated: 2025-07-30. Review status: criteria provided, single submitter. Criteria: Invitae Variant Classification Sherloc (09022015). Collection method: clinical testing. Allele origin: germline.
Comment: This sequence change creates a premature translational stop signal (p.Val360Argfs*11) in the SLC26A3 gene. It is expected to result in an absent or disrupted protein product. Loss-of-function variants in SLC26A3 are known to be pathogenic (PMID: 9718329, 21394828). This variant is not present in population databases (gnomAD no frequency). This variant has not been reported in the literature in individuals affected with SLC26A3-related conditions. For these reasons, this variant has been classified as Pathogenic.

Literature cited by the submitters: PubMed 9718329; PubMed 21394828.

NM_000111.3(SLC26A3):c.1077dup (p.Val360fs)

Gene: SLC26A3 (solute carrier family 26 member 3; minus strand). Cytogenetic location: 7q22.3.
Variant type: Duplication.
Coding change: c.1077dup on transcript NM_000111.3 (MANE Select); coding-DNA position 1077, one base duplicated (C; older notation c.1077dupC).
Protein change: p.Val360fs; shifts the reading frame from valine 360.
Molecular consequence: frameshift variant.
Genome position (GRCh38, 1-based): chr7:107,783,247, G duplicated on the plus strand (C on the coding strand, the reverse complement: SLC26A3 is on the minus strand). VCF-style (leftmost placement, unchanged base first): chr7-107783246-C-CG. GRCh37 (hg19) VCF-style: chr7-107423691-C-CG.
Other names: short protein forms V360fs.
Identifiers: ClinVar variation 4724477 (VCV004724477.1).